The following is an entry in ClinVar:

ClinVar aggregate classification (germline): Uncertain significance (1 of 4 stars; one submission).

Conditions:
Asphyxiating thoracic dystrophy 5 (SRTD5). Also called: SHORT-RIB THORACIC DYSPLASIA 5 WITH OR WITHOUT POLYDACTYLY; SHORT-RIB THORACIC DYSPLASIA 5 WITHOUT POLYDACTYLY. Identifiers: Orphanet 474, MedGen C3280598, MONDO:0013717, OMIM 614376.
Senior-Loken syndrome 8 (SLSN8). Identifiers: Orphanet 3156, MedGen C4225376, MONDO:0014579, OMIM 616307.

Allele frequency attached by ClinVar (database versions not stated): gnomAD 0.00001.
gnomAD v4.1: 1 of 1,554,042 alleles (0.000064%); highest among the groups gnomAD compares: Non-Finnish European, 0.000087%; no homozygotes.

Submission:

Labcorp Genetics (formerly Invitae), Labcorp
Classification: Uncertain significance for Senior-Loken syndrome 8; Asphyxiating thoracic dystrophy 5. Last evaluated: 2021-08-24. Review status: criteria provided, single submitter. Criteria: Invitae Variant Classification Sherloc (09022015). Collection method: clinical testing. Allele origin: germline.
Comment: This sequence change replaces glycine with valine at codon 1063 of the WDR19 protein (p.Gly1063Val). The glycine residue is highly conserved and there is a moderate physicochemical difference between glycine and valine. This variant is not present in population databases (ExAC no frequency). This variant has not been reported in the literature in individuals affected with WDR19-related conditions. Algorithms developed to predict the effect of missense changes on protein structure and function (SIFT, PolyPhen-2, Align-GVGD) all suggest that this variant is likely to be tolerated. In summary, the available evidence is currently insufficient to determine the role of this variant in disease. Therefore, it has been classified as a Variant of Uncertain Significance.

NM_025132.4(WDR19):c.3188G>T (p.Gly1063Val)

Gene: WDR19 (WD repeat domain 19; plus strand). Cytogenetic location: 4p14.
Variant type: single nucleotide variant.
Coding change: c.3188G>T on transcript NM_025132.4 (MANE Select); coding-DNA position 3188, G replaced by T.
Protein change: p.Gly1063Val; replaces glycine 1063 with valine.
Molecular consequence: missense variant.
Genome position (GRCh38, 1-based): chr4:39,266,067, G>T. VCF-style: chr4-39266067-G-T. GRCh37 (hg19) VCF-style: chr4-39267687-G-T.
Other names: c.2708G>T, p.Gly903Val (NM_001317924.2); short protein forms G903V, G1063V.
Identifiers: ClinVar variation 1479119 (VCV001479119.5), dbSNP rs760222006, ClinGen allele CA356644680.